The following is an entry in ClinVar:

NM_001605.3(AARS1):c.2867C>T (p.Thr956Ile)

Gene: AARS1 (alanyl-tRNA synthetase 1; minus strand). Cytogenetic location: 16q22.1.
Variant type: single nucleotide variant.
Coding change: c.2867C>T on transcript NM_001605.3 (MANE Select); coding-DNA position 2867, C replaced by T.
Protein change: p.Thr956Ile; replaces threonine 956 with isoleucine.
Molecular consequence: missense variant.
Genome position (GRCh38, 1-based): chr16:70,252,761, G>A on the plus strand (C>T on the coding strand, the complement: AARS1 is on the minus strand). VCF-style: chr16-70252761-G-A. GRCh37 (hg19) VCF-style: chr16-70286664-G-A.
Other names: short protein forms T956I.
Identifiers: ClinVar variation 643884 (VCV000643884.8), dbSNP rs747833388, ClinGen allele CA396553575.
Genomic context (GRCh38, chr16:70,252,761, plus strand): 5'-GGAGCCTCCTCCTTCCCCACTCAGTTCTTTACATCCCCGAGGCGCAGCTGGGCGAAGGAA[G>A]TGGCCAGCTGCAGCGCCTCCTGCAGGCAGCCAACGTTCTTGCCTGTGGCCTGTGCAGACA-3'
Protein context (NP_001596.2, residues 946-966): GCLQEALQLA[Thr956Ile]SFAQLRLGDV

ClinVar aggregate classification (germline): Uncertain significance (1 of 4 stars; one submission).

Conditions:
Charcot-Marie-Tooth disease type 2. Also called: Charcot-Marie-Tooth type 2. Identifiers: Orphanet 64746, MedGen C0270914, MONDO:0018993.

gnomAD v4.1: 1 of 1,614,206 alleles (0.000062%); highest among the groups gnomAD compares: South Asian, 0.0011%; no homozygotes.

Submission:

Labcorp Genetics (formerly Invitae), Labcorp
Classification: Uncertain significance for Charcot-Marie-Tooth disease type 2. Last evaluated: 2025-03-06. Review status: criteria provided, single submitter. Criteria: Invitae Variant Classification Sherloc (09022015). Collection method: clinical testing. Allele origin: germline.
Comment: This sequence change replaces threonine, which is neutral and polar, with isoleucine, which is neutral and non-polar, at codon 956 of the AARS protein (p.Thr956Ile). This variant is not present in population databases (gnomAD no frequency). This variant has not been reported in the literature in individuals affected with AARS-related conditions. ClinVar contains an entry for this variant (Variation ID: 643884). Invitae Evidence Modeling of protein sequence and biophysical properties (such as structural, functional, and spatial information, amino acid conservation, physicochemical variation, residue mobility, and thermodynamic stability) indicates that this missense variant is not expected to disrupt AARS protein function with a negative predictive value of 95%. In summary, the available evidence is currently insufficient to determine the role of this variant in disease. Therefore, it has been classified as a Variant of Uncertain Significance.